The following is an entry in ClinVar:

NM_003482.4(KMT2D):c.400+1G>T

Gene: KMT2D (lysine methyltransferase 2D; minus strand). Cytogenetic location: 12q13.12.
Variant type: single nucleotide variant.
Coding change: c.400+1G>T on transcript NM_003482.4 (MANE Select); the canonical splice donor site of the intron after coding-DNA position 400, G replaced by T.
Molecular consequence: splice donor variant.
Genome position (GRCh38, 1-based): chr12:49,054,527, C>A on the plus strand (G>T on the coding strand, the complement: KMT2D is on the minus strand). VCF-style: chr12-49054527-C-A. GRCh37 (hg19) VCF-style: chr12-49448310-C-A.
Other names: c.400+1G>T (NM_003482.3).
Identifiers: ClinVar variation 4293934 (VCV004293934.2).

ClinVar aggregate classification (germline): Pathogenic. Review status: criteria provided, multiple submitters, no conflicts (2 of 4 stars). 2 submissions from 2 submitters: Pathogenic (2). Last evaluated 2025-08-20.

Conditions:
KMT2D-related disorder. Also called: KMT2D-Related Disorders.
Kabuki syndrome 1 (KABUK1). Also called: KMT2D-Related Kabuki Syndrome. Identifiers: Orphanet 2322, MedGen CN030661, MONDO:0007843, OMIM 147920.

Submissions (2):

PreventionGenetics, part of Exact Sciences
Classification: Pathogenic for KMT2D-related condition. Last evaluated: 2025-08-20. Review status: criteria provided, single submitter. Criteria: ACMG Guidelines, 2015. Collection method: clinical testing. Allele origin: germline.
Comment: The KMT2D c.400+1G>T variant is predicted to disrupt the GT donor site and interfere with normal splicing. This variant was previously reported in individuals with Kabuki syndrome (Murakami et al. 2020. PubMed ID: 32803813; So et al. 2020. PubMed ID: 33314698). This variant has not been reported in a large population database (gnomAD), indicating this variant is rare. Variants that disrupt the consensus splice donor site in KMT2D are expected to be pathogenic. This variant is interpreted as pathogenic.

3billion
Classification: Pathogenic for Kabuki syndrome 1. Last evaluated: 2024-07-15. Review status: criteria provided, single submitter. Criteria: ACMG Guidelines, 2015. Collection method: clinical testing. Allele origin: germline. Affected: yes.
Comment: The variant is not observed in the gnomAD v4.0.0 dataset. Predicted Consequence/Location: Canonical splice site: predicted to alter splicing and result in a loss or disruption of normal protein function. Multiple pathogenic loss-of-function variants are reported downstream of the variant. In silico tools predict the variant to alter splicing and produce an abnormal transcript [SpliceAI: 0.96 (spliceogenicity >=0.2, non-spliceogenicity <0.1)]. The variant has been reported to be associated with KMT2D related disorder (PMID: 32803813). Therefore, this variant is classified as Pathogenic according to the recommendation of ACMG/AMP guideline.

Literature cited by the submitters: PubMed 32803813 (cited by 3billion).